The following is an entry in ClinVar:

NM_004999.4(MYO6):c.667G>A (p.Gly223Arg)

Gene: MYO6 (myosin VI; plus strand). Cytogenetic location: 6q14.1.
Variant type: single nucleotide variant.
Coding change: c.667G>A on transcript NM_004999.4 (MANE Select); coding-DNA position 667, G replaced by A.
Protein change: p.Gly223Arg; replaces glycine 223 with arginine.
Molecular consequence: missense variant. On other transcripts: non-coding transcript variant (2).
Genome position (GRCh38, 1-based): chr6:75,841,229, G>A. VCF-style: chr6-75841229-G-A. GRCh37 (hg19) VCF-style: chr6-76550946-G-A.
Other names: c.667G>A, p.Gly223Arg (NM_001300899.2, NM_001368136.1, NM_001368137.1 and 4 more transcripts); c.652G>A, p.Gly218Arg (NM_001368138.1); short protein forms G223R, G218R.
Identifiers: ClinVar variation 2971497 (VCV002971497.3), dbSNP rs2535102218, ClinGen allele CA364771775.

ClinVar aggregate classification (germline): Uncertain significance (1 of 4 stars; one submission).

Submission:

Labcorp Genetics (formerly Invitae), Labcorp
Classification: Uncertain significance. Last evaluated: 2023-02-17. Review status: criteria provided, single submitter. Criteria: Invitae Variant Classification Sherloc (09022015). Collection method: clinical testing. Allele origin: germline.
Comment: Advanced modeling of protein sequence and biophysical properties (such as structural, functional, and spatial information, amino acid conservation, physicochemical variation, residue mobility, and thermodynamic stability) has been performed at Invitae for this missense variant, however the output from this modeling did not meet the statistical confidence thresholds required to predict the impact of this variant on MYO6 protein function. In summary, the available evidence is currently insufficient to determine the role of this variant in disease. Therefore, it has been classified as a Variant of Uncertain Significance. This sequence change replaces glycine, which is neutral and non-polar, with arginine, which is basic and polar, at codon 223 of the MYO6 protein (p.Gly223Arg). This variant is not present in population databases (gnomAD no frequency). This missense change has been observed in individual(s) with autosomal dominant deafness (PMID: 29607572). It has also been observed to segregate with disease in related individuals.

Literature cited by the submitters: PubMed 29607572.